The following is an entry in ClinVar:

ClinVar aggregate classification (germline): Uncertain significance (1 of 4 stars; one submission).

Conditions:
Nemaline myopathy. Also called: Myopathies, Nemaline. Identifiers: Orphanet 607, MedGen C0206157, MONDO:0018958.

gnomAD v4.1: 1 of 1,604,568 alleles (0.000062%); highest among the groups gnomAD compares: Non-Finnish European, 0.000085%; no homozygotes.

Submission:

Broad Center for Mendelian Genomics, Broad Institute of MIT and Harvard
Classification: Uncertain significance for Nemaline myopathy. Last evaluated: 2025-03-12. Review status: criteria provided, single submitter. Criteria: ACMG Guidelines, 2015. Collection method: curation. Allele origin: germline. Inheritance: Autosomal recessive inheritance.
Comment: The c.11910+5G>C variant in NEB has been reported, in the compound heterozygous state, in 1 individual with nemaline myopathy (PMID: 16917880), and has been identified in 0.00009% (1/1172944) of European (non-Finnish) chromosomes by the Genome Aggregation Database (gnomAD). Although this variant has been seen in the general population in a heterozygous state, its frequency is low enough to be consistent with a recessive carrier frequency. This variant is located in the 3' splice region. Computational prediction tools and conservation analyses suggest that this variant may impact the protein, though this information is not predictive enough to determine pathogenicity. Loss of function of the NEB gene is an established disease mechanism in autosomal recessive nemaline myopathy. In summary, the clinical significance of the c.11910+5G>C variant is uncertain. ACMG/AMP Criteria applied: PP3, PM2_supporting, PM3_supporting (Richards 2015).

NM_001164508.2(NEB):c.11910+5G>C

Gene: NEB (nebulin; minus strand). Cytogenetic location: 2q23.3.
Variant type: single nucleotide variant.
Coding change: c.11910+5G>C on transcript NM_001164508.2 (MANE Select); 5 bases into the intron after coding-DNA position 11910, G replaced by C.
Molecular consequence: intron variant.
Genome position (GRCh38, 1-based): chr2:151,610,757, C>G on the plus strand (G>C on the coding strand, the complement: NEB is on the minus strand). VCF-style: chr2-151610757-C-G. GRCh37 (hg19) VCF-style: chr2-152467271-C-G.
Other names: NM_001164508.2:c.11910+5G>C; c.11181+5G>C (NM_004543.5); c.11910+5G>C (NM_001164507.2, NM_001271208.2).
Identifiers: ClinVar variation 3776977 (VCV003776977.1).
Genomic context (GRCh38, chr2:151,610,757, plus strand): 5'-TTGTTACGGTGGAAAAAGCATTTTAATTAATCTTAGGTTTAAGCAACAATCAGGAAATCT[C>G]TTACTTGGCTGATATTGGCAGAATTACTCTTGGCCAGCAGGATATCTGGGGTGTCTGGCA-3'